The following is an entry in ClinVar:

ClinVar aggregate classification (germline): Uncertain significance (1 of 4 stars; one submission).

Submission:

Labcorp Genetics (formerly Invitae), Labcorp
Classification: Uncertain significance. Last evaluated: 2023-07-03. Review status: criteria provided, single submitter. Criteria: Invitae Variant Classification Sherloc (09022015). Collection method: clinical testing. Allele origin: germline.
Comment: Algorithms developed to predict the effect of missense changes on protein structure and function output the following: SIFT: "Not Available"; PolyPhen-2: "Benign"; Align-GVGD: "Not Available". The aspartic acid amino acid residue is found in multiple mammalian species, which suggests that this missense change does not adversely affect protein function. In summary, the available evidence is currently insufficient to determine the role of this variant in disease. Therefore, it has been classified as a Variant of Uncertain Significance. This variant has not been reported in the literature in individuals affected with DHX32-related conditions. This variant is not present in population databases (gnomAD no frequency). This sequence change replaces glutamic acid, which is acidic and polar, with aspartic acid, which is acidic and polar, at codon 731 of the DHX32 protein (p.Glu731Asp).

NM_018180.3(DHX32):c.2193G>T (p.Glu731Asp)

Genes: BCCIP (BRCA2 and CDKN1A interacting protein; plus strand), DHX32 (DEAH-box helicase 32 (putative); minus strand). Cytogenetic location: 10q26.2.
Variant type: single nucleotide variant.
Coding change: c.2193G>T on transcript NM_018180.3 (MANE Select); coding-DNA position 2193, G replaced by T.
Protein change: p.Glu731Asp; replaces glutamic acid 731 with aspartic acid.
Molecular consequence: missense variant. On other transcripts: intron variant (2).
Genome position (GRCh38, 1-based): chr10:125,836,726, C>A on the plus strand (G>T on the coding strand, the complement: DHX32 is on the minus strand). VCF-style: chr10-125836726-C-A. GRCh37 (hg19) VCF-style: chr10-127525295-C-A.
Other names: c.774+2780C>A (NM_016567.4, NM_078469.3); short protein forms E731D.
Identifiers: ClinVar variation 2812856 (VCV002812856.3), dbSNP rs2494359222, ClinGen allele CA378671069.